The following is an entry in ClinVar:

ClinVar aggregate classification (germline): Uncertain significance. Review status: criteria provided, multiple submitters, no conflicts (2 of 4 stars). 2 submissions from 2 submitters: Uncertain significance (2). Last evaluated 2025-11-11.

gnomAD v4.1: 1 of 1,613,946 alleles (0.000062%); highest among the groups gnomAD compares: Admixed American, 0.0017%; no homozygotes.

Submissions (2):

Ambry Genetics
Classification: Uncertain significance. Last evaluated: 2025-11-11. Review status: criteria provided, single submitter. Criteria: Ambry Variant Classification Scheme 2023. Collection method: clinical testing. Allele origin: germline.

Labcorp Genetics (formerly Invitae), Labcorp
Classification: Uncertain significance. Last evaluated: 2021-12-16. Review status: criteria provided, single submitter. Criteria: Invitae Variant Classification Sherloc (09022015). Collection method: clinical testing. Allele origin: germline.
Comment: This sequence change replaces leucine, which is neutral and non-polar, with arginine, which is basic and polar, at codon 103 of the APPL1 protein (p.Leu103Arg). This variant is present in population databases (no rsID available, gnomAD 0.003%). This variant has not been reported in the literature in individuals affected with APPL1-related conditions. Algorithms developed to predict the effect of missense changes on protein structure and function are either unavailable or do not agree on the potential impact of this missense change (SIFT: "Deleterious"; PolyPhen-2: "Probably Damaging"; Align-GVGD: "Class C0"). In summary, the available evidence is currently insufficient to determine the role of this variant in disease. Therefore, it has been classified as a Variant of Uncertain Significance.

NM_012096.3(APPL1):c.308T>G (p.Leu103Arg)

Gene: APPL1 (adaptor protein, phosphotyrosine interacting with PH domain and leucine zipper 1; plus strand). Cytogenetic location: 3p14.3.
Variant type: single nucleotide variant.
Coding change: c.308T>G on transcript NM_012096.3 (MANE Select); coding-DNA position 308, T replaced by G.
Protein change: p.Leu103Arg; replaces leucine 103 with arginine.
Molecular consequence: missense variant.
Genome position (GRCh38, 1-based): chr3:57,240,487, T>G. VCF-style: chr3-57240487-T-G. GRCh37 (hg19) VCF-style: chr3-57274515-T-G.
Other names: c.308T>G (NM_012096.2); short protein forms L103R.
Identifiers: ClinVar variation 1980522 (VCV001980522.5), dbSNP rs775623868, ClinGen allele CA353405227.